The following is an entry in ClinVar:

ClinVar aggregate classification (germline): Uncertain significance (1 of 4 stars; one submission).

Allele frequency attached by ClinVar (database versions not stated): gnomAD exomes below 0.00001 and 0.00001; gnomAD 0.00001; TOPMed 0.00001.
gnomAD v4.1: 8 of 1,614,096 alleles (0.0005%); highest among the groups gnomAD compares: Admixed American, 0.0083%; no homozygotes.

Submission:

Labcorp Genetics (formerly Invitae), Labcorp
Classification: Uncertain significance. Last evaluated: 2022-11-01. Review status: criteria provided, single submitter. Criteria: Invitae Variant Classification Sherloc (09022015). Collection method: clinical testing. Allele origin: germline.
Comment: This sequence change replaces histidine, which is basic and polar, with arginine, which is basic and polar, at codon 234 of the ADAMTS18 protein (p.His234Arg). This variant is present in population databases (no rsID available, gnomAD 0.009%). This variant has not been reported in the literature in individuals affected with ADAMTS18-related conditions. ClinVar contains an entry for this variant (Variation ID: 1063495). Algorithms developed to predict the effect of missense changes on protein structure and function output the following: SIFT: "Not Available"; PolyPhen-2: "Benign"; Align-GVGD: "Not Available". The arginine amino acid residue is found in multiple mammalian species, which suggests that this missense change does not adversely affect protein function. In summary, the available evidence is currently insufficient to determine the role of this variant in disease. Therefore, it has been classified as a Variant of Uncertain Significance.

NM_199355.4(ADAMTS18):c.701A>G (p.His234Arg)

Gene: ADAMTS18 (ADAM metallopeptidase with thrombospondin type 1 motif 18; minus strand). Cytogenetic location: 16q23.1.
Variant type: single nucleotide variant.
Coding change: c.701A>G on transcript NM_199355.4 (MANE Select); coding-DNA position 701, A replaced by G.
Protein change: p.His234Arg; replaces histidine 234 with arginine.
Molecular consequence: missense variant.
Genome position (GRCh38, 1-based): chr16:77,367,518, T>C on the plus strand (A>G on the coding strand, the complement: ADAMTS18 is on the minus strand). VCF-style: chr16-77367518-T-C. GRCh37 (hg19) VCF-style: chr16-77401415-T-C.
Other names: c.181A>G, p.Met61Val (NM_001326358.2); short protein forms H234R, M61V.
Identifiers: ClinVar variation 1063495 (VCV001063495.9), dbSNP rs1246013068, ClinGen allele CA396824031.